The following is an entry in ClinVar:

NM_000059.4(BRCA2):c.3822G>A (p.Lys1274=)

Gene: BRCA2 (BRCA2 DNA repair associated; plus strand). Cytogenetic location: 13q13.1.
Variant type: single nucleotide variant.
Coding change: c.3822G>A on transcript NM_000059.4 (MANE Select); coding-DNA position 3822, G replaced by A.
Protein change: p.Lys1274=; no amino-acid change (lysine 1274 retained).
Molecular consequence: synonymous variant.
Genome position (GRCh38, 1-based): chr13:32,338,177, G>A. VCF-style: chr13-32338177-G-A. GRCh37 (hg19) VCF-style: chr13-32912314-G-A.
Identifiers: ClinVar variation 485434 (VCV000485434.22), dbSNP rs1555283410, ClinGen allele CA483437963.

ClinVar aggregate classification (germline): Conflicting classifications of pathogenicity. Review status: criteria provided, conflicting classifications (1 of 4 stars). 7 submissions from 7 submitters: Uncertain significance (1); Benign (1); Likely benign (5). Last evaluated 2025-02-01.

Conditions:
Hereditary cancer-predisposing syndrome. Also called: Hereditary neoplastic syndrome; Neoplastic Syndromes, Hereditary; Tumor predisposition; Hereditary Cancer Syndrome. Identifiers: Orphanet 140162, MedGen C0027672, MeSH D009386, MONDO:0015356.
Hereditary breast ovarian cancer syndrome. Also called: Hereditary breast and ovarian cancer syndrome (HBOC); Breast and ovarian cancer; Hereditary breast and ovarian cancer syndrome; Hereditary breast and ovarian cancer; Hereditary breast and/or ovarian cancer syndrome; BRCA1- and BRCA2-Associated Hereditary Breast and Ovarian Cancer. Identifiers: Orphanet 145, MedGen C0677776, MeSH D061325, MONDO:0003582. Disease mechanism: loss of function.
Breast-ovarian cancer, familial, susceptibility to, 2 (BROVCA2). Also called: BRCA2 Hereditary Breast and Ovarian Cancer. Identifiers: Orphanet 145, MedGen C2675520, MONDO:0012933, OMIM 612555. Disease mechanism: loss of function.
Familial cancer of breast. Also called: BREAST CANCER, FAMILIAL; Hereditary breast cancer; hereditary breast carcinoma. Identifiers: Orphanet 227535, MedGen C0346153, MONDO:0016419, OMIM 114480. Disease mechanism: loss of function.

Submissions (7):

KCCC/NGS Laboratory, Kuwait Cancer Control Center
Classification: Benign for Familial cancer of breast. Last evaluated: 2025-02-01. Review status: criteria provided, single submitter. Criteria: ACMG Guidelines, 2015. Collection method: clinical testing. Allele origin: germline. Affected: no.

Labcorp Genetics (formerly Invitae), Labcorp
Classification: Likely benign for Hereditary breast ovarian cancer syndrome. Last evaluated: 2022-01-07. Review status: criteria provided, single submitter. Criteria: Invitae Variant Classification Sherloc (09022015). Collection method: clinical testing. Allele origin: germline.

Women's Health and Genetics/Laboratory Corporation of America, LabCorp
Classification: Likely benign. Last evaluated: 2019-08-21. Review status: criteria provided, single submitter. Criteria: LabCorp Variant Classification Summary - May 2015. Collection method: clinical testing. Allele origin: germline.

GeneDx
Classification: Likely benign. Last evaluated: 2018-12-10. Review status: criteria provided, single submitter. Criteria: GeneDx Variant Classification Process June 2021. Collection method: clinical testing. Allele origin: germline. Affected: yes.

Color Diagnostics, LLC DBA Color Health
Classification: Likely benign for Hereditary cancer-predisposing syndrome. Last evaluated: 2018-10-19. Review status: criteria provided, single submitter. Criteria: ACMG Guidelines, 2015. Collection method: clinical testing. Allele origin: germline.

Baylor Genetics
Classification: Uncertain significance for Breast-ovarian cancer, familial, susceptibility to, 2. Last evaluated: 2018-02-16. Review status: criteria provided, single submitter. Criteria: ACMG Guidelines, 2015. Collection method: clinical testing. Allele origin: unknown. Affected: yes.
Comment: This variant was determined to be of uncertain significance according to ACMG Guidelines, 2015 [PMID:25741868].

Ambry Genetics
Classification: Likely benign for Hereditary cancer-predisposing syndrome. Last evaluated: 2017-02-21. Review status: criteria provided, single submitter. Criteria: Ambry Variant Classification Scheme 2023. Collection method: clinical testing. Allele origin: germline.